The following is an entry in ClinVar:

ClinVar aggregate classification (germline): Likely benign. Review status: criteria provided, single submitter (1 of 4 stars). 2 submissions from 2 submitters: Likely benign (1). 1 of the submissions does not count toward it. Last evaluated 2022-11-14.

Conditions:
ZBTB20-related disorder. Also called: ZBTB20-related condition.

gnomAD v4.1: 10 of 1,566,650 alleles (0.00064%); highest among the groups gnomAD compares: Non-Finnish European, 0.00078%; no homozygotes.

Submissions (2):

Blueprint Genetics
Classification: Likely benign. Last evaluated: 2022-11-14. Review status: criteria provided, single submitter. Criteria: ACMG Guidelines, 2015. Collection method: clinical testing. Allele origin: germline.

PreventionGenetics, part of Exact Sciences
Classification: Likely benign for ZBTB20-related condition. Last evaluated: 2022-11-08. Review status: no assertion criteria provided. Collection method: clinical testing. Allele origin: germline. Not counted in ClinVar's aggregate classification.
Comment: This variant is classified as likely benign based on ACMG/AMP sequence variant interpretation guidelines (Richards et al. 2015 PMID: 25741868, with internal and published modifications).

NM_001348800.3(ZBTB20):c.2154C>G (p.Ser718=)

Gene: ZBTB20 (zinc finger and BTB domain containing 20; minus strand). Cytogenetic location: 3q13.31.
Variant type: single nucleotide variant.
Coding change: c.2154C>G on transcript NM_001348800.3 (MANE Select); coding-DNA position 2154, C replaced by G.
Protein change: p.Ser718=; no amino-acid change (serine 718 retained).
Molecular consequence: synonymous variant. On other transcripts: non-coding transcript variant (1).
Genome position (GRCh38, 1-based): chr3:114,339,077, G>C on the plus strand (C>G on the coding strand, the complement: ZBTB20 is on the minus strand). VCF-style: chr3-114339077-G-C. GRCh37 (hg19) VCF-style: chr3-114057924-G-C.
Other names: c.2154C>G, p.Ser718= (NM_001164342.2, NM_001348803.3, NM_001393393.1 and 1 more transcripts); c.1935C>G, p.Ser645= (NM_001164343.2, NM_001164344.4, NM_001164345.4 and 9 more transcripts).
Identifiers: ClinVar variation 3030769 (VCV003030769.3), dbSNP rs753707274, ClinGen allele CA2551198.